The following is an entry in ClinVar:

ClinVar aggregate classification (germline): Uncertain significance (1 of 4 stars; one submission).

Submission:

GeneDx
Classification: Uncertain significance. Last evaluated: 2022-11-10. Review status: criteria provided, single submitter. Criteria: GeneDx Variant Classification Process June 2021. Collection method: clinical testing. Allele origin: germline. Affected: yes.
Comment: Not observed at significant frequency in large population cohorts (gnomAD); In silico analysis supports that this missense variant has a deleterious effect on protein structure/function; Has not been previously published as pathogenic or benign to our knowledge

NM_005245.4(FAT1):c.9161C>G (p.Ser3054Cys)

Gene: FAT1 (FAT atypical cadherin 1; minus strand). Cytogenetic location: 4q35.2.
Variant type: single nucleotide variant.
Coding change: c.9161C>G on transcript NM_005245.4 (MANE Select); coding-DNA position 9161, C replaced by G.
Protein change: p.Ser3054Cys; replaces serine 3054 with cysteine.
Molecular consequence: missense variant.
Genome position (GRCh38, 1-based): chr4:186,614,259, G>C on the plus strand (C>G on the coding strand, the complement: FAT1 is on the minus strand). VCF-style: chr4-186614259-G-C. GRCh37 (hg19) VCF-style: chr4-187535413-G-C.
Other names: short protein forms S3054C.
Identifiers: ClinVar variation 2502032 (VCV002502032.1), dbSNP rs1739600255, ClinGen allele CA358957603.
Genomic context (GRCh38, chr4:186,614,259, plus strand): 5'-GGATTTAGTTTGAATTTTTCTGCACCTGAACCCAATAACGTGTAAGTAATTTCAGCGTTA[G>C]AGCGGATGTCTGCGTCTGTAGCAGAGATCTGCATGATCAATTTTCCAGGAAGGACGTCTT-3'
Protein context (NP_005236.2, residues 3044-3064): QISATDADIR[Ser3054Cys]NAEITYTLLG